The following is an entry in ClinVar:

NM_000038.6(APC):c.6020A>G (p.Tyr2007Cys)

Gene: APC (APC regulator of Wnt signaling pathway; plus strand). Cytogenetic location: 5q22.2.
Variant type: single nucleotide variant.
Coding change: c.6020A>G on transcript NM_000038.6 (MANE Select); coding-DNA position 6020, A replaced by G.
Protein change: p.Tyr2007Cys; replaces tyrosine 2007 with cysteine.
Molecular consequence: missense variant.
Genome position (GRCh38, 1-based): chr5:112,841,614, A>G. VCF-style: chr5-112841614-A-G. GRCh37 (hg19) VCF-style: chr5-112177311-A-G.
Other names: c.6020A>G, p.Tyr2007Cys (NM_001127510.3, NM_001354895.2); c.5966A>G, p.Tyr1989Cys (NM_001127511.3); c.6074A>G, p.Tyr2025Cys (NM_001354896.2); c.6050A>G, p.Tyr2017Cys (NM_001354897.2); c.5945A>G, p.Tyr1982Cys (NM_001354898.2); c.5936A>G, p.Tyr1979Cys (NM_001354899.2); c.5897A>G, p.Tyr1966Cys (NM_001354900.2); c.5843A>G, p.Tyr1948Cys (NM_001354901.2); and 5 more; short protein forms Y1989C, Y2007C, Y2017C, Y1906C, Y1979C, Y1982C, Y1724C, Y1847C.
Identifiers: ClinVar variation 411513 (VCV000411513.31), dbSNP rs752604668, ClinGen allele CA043758.

ClinVar aggregate classification (germline): Conflicting classifications of pathogenicity. Review status: criteria provided, conflicting classifications (1 of 4 stars). 13 submissions from 13 submitters: Uncertain significance (10); Likely benign (1). 2 of the submissions do not count toward it. Last evaluated 2026-01-17.

Conditions:
Familial adenomatous polyposis 1 (FAP1). Also called: FAMILIAL ADENOMATOUS POLYPOSIS 1, ATTENUATED; POLYPOSIS, ADENOMATOUS INTESTINAL. Identifiers: MedGen C2713442, MONDO:0021056, OMIM 175100. Disease mechanism: loss of function.
Gastric adenocarcinoma and proximal polyposis of the stomach (GAPPS). Also called: POLYPOSIS, GASTRIC; Gastric Adenocarcinoma and Proximal Polyposis of the Stomach (GAPPS); Polyposis, gastric, Dos Santos and de Magalhaes 1980. Identifiers: Orphanet 314022, MedGen C4749917, MONDO:0017790, OMIM 619182.
Desmoid disease, hereditary (DESMD). Also called: FIBROMATOSIS, FAMILIAL INFILTRATIVE. Identifiers: Orphanet 873, MedGen C1851124, OMIM 135290. Disease mechanism: loss of function.
Hepatocellular carcinoma (HCC). Also called: Primary carcinoma of liver; HEPATOMA; LIVER CELL CARCINOMA. Identifiers: Orphanet 88673, MedGen C2239176, MONDO:0007256, OMIM 114550, HP:0001402.
Gastric cancer. Also called: Malignant tumor of stomach; Stomach cancer. Identifiers: MedGen C0024623, MeSH D013274, MONDO:0001056, OMIM 613659, HP:0012126.
Colorectal cancer. Also called: Malignant Colorectal Neoplasm; Colorectal cancer, somatic. Identifiers: MedGen C0346629, MONDO:0005575, OMIM 114500.
Classic or attenuated familial adenomatous polyposis. Identifiers: MedGen CN372698, MONDO:0021057.
Hereditary cancer-predisposing syndrome. Also called: Neoplastic Syndromes, Hereditary; Hereditary Cancer Syndrome; Hereditary neoplastic syndrome; Tumor predisposition. Identifiers: Orphanet 140162, MedGen C0027672, MeSH D009386, MONDO:0015356.
APC-related disorder. Also called: APC-related condition.

Allele frequency attached by ClinVar (database versions not stated): gnomAD exomes 0.00001 and 0.00002; ExAC 0.00002; TOPMed 0.00002; gnomAD 0.00004.
gnomAD v4.1: 26 of 1,613,216 alleles (0.0016%); highest among the groups gnomAD compares: Middle Eastern, 0.016%; no homozygotes.

Submissions (13):

Labcorp Genetics (formerly Invitae), Labcorp
Classification: Uncertain significance for Familial adenomatous polyposis 1. Last evaluated: 2026-01-17. Review status: criteria provided, single submitter. Criteria: Invitae Variant Classification Sherloc (09022015). Collection method: clinical testing. Allele origin: germline.
Comment: This sequence change replaces tyrosine, which is neutral and polar, with cysteine, which is neutral and slightly polar, at codon 2007 of the APC protein (p.Tyr2007Cys). This variant is present in population databases (rs752604668, gnomAD 0.01%). This variant has not been reported in the literature in individuals affected with APC-related conditions. ClinVar contains an entry for this variant (Variation ID: 411513). Invitae Evidence Modeling of protein sequence and biophysical properties (such as structural, functional, and spatial information, amino acid conservation, physicochemical variation, residue mobility, and thermodynamic stability) indicates that this missense variant is not expected to disrupt APC protein function with a negative predictive value of 95%. In summary, the available evidence is currently insufficient to determine the role of this variant in disease. Therefore, it has been classified as a Variant of Uncertain Significance.

Dasa
Classification: Uncertain significance. Last evaluated: 2025-10-28. Review status: criteria provided, single submitter. Criteria: DASA Assertion Criteria. Collection method: clinical testing. Allele origin: germline.
Comment: NM_000038.6(APC):c.6020A>G (p.Tyr2007Cys) is a missense variant that results in the substitution of tyrosine with cysteine. This variant is rare in population databases. The currently available literature and clinical evidence are not sufficient to establish a definitive association between this variant and the reported condition. Therefore, this variant is classified as a variant of uncertain significance.

Color Diagnostics, LLC DBA Color Health
Classification: Likely benign for Hereditary cancer-predisposing syndrome. Last evaluated: 2025-09-11. Review status: criteria provided, single submitter. Criteria: ACMG Guidelines, 2015. Collection method: clinical testing. Allele origin: germline.

Fulgent Genetics
Classification: Uncertain significance for Colorectal cancer; Hepatocellular carcinoma; Desmoid disease, hereditary; Familial adenomatous polyposis 1; Gastric cancer; Gastric adenocarcinoma and proximal polyposis of the stomach. Last evaluated: 2024-05-23. Review status: criteria provided, single submitter. Criteria: ACMG Guidelines, 2015. Collection method: clinical testing. Allele origin: germline.

Ambry Genetics
Classification: Uncertain significance for Hereditary cancer-predisposing syndrome. Last evaluated: 2024-02-29. Review status: criteria provided, single submitter. Criteria: Ambry Variant Classification Scheme 2023. Collection method: clinical testing. Allele origin: germline.
Comment: The p.Y2007C variant (also known as c.6020A>G), located in coding exon 15 of the APC gene, results from an A to G substitution at nucleotide position 6020. The tyrosine at codon 2007 is replaced by cysteine, an amino acid with highly dissimilar properties. This amino acid position is highly conserved in available vertebrate species. In addition, in silico predictors for this gene do not accurately predict pathogenicity. Since supporting evidence is limited at this time, the clinical significance of this alteration remains unclear.

All of Us Research Program, National Institutes of Health
Classification: Uncertain significance for Classic or attenuated familial adenomatous polyposis. Last evaluated: 2023-12-18. Review status: criteria provided, single submitter. Criteria: ACMG Guidelines, 2015. Collection method: clinical testing. Allele origin: germline. Inheritance: Autosomal dominant inheritance. Observed: 6 variant alleles, 6 heterozygotes.
Comment: This missense variant replaces tyrosine with cysteine at codon 2007 of the APC protein. Computational prediction is inconclusive regarding the impact of this variant on protein structure and function (internally defined REVEL score threshold 0.5 < inconclusive < 0.7, PMID: 27666373). To our knowledge, functional studies have not been reported for this variant. This variant has not been reported in individuals affected with APC-related disorders in the literature. This variant has been identified in 7/281520 chromosomes in the general population by the Genome Aggregation Database (gnomAD). The available evidence is insufficient to determine the role of this variant in disease conclusively. Therefore, this variant is classified as a Variant of Uncertain Significance.

This study involves interpretation of variants in research participants for the purpose of population health screening. Participant phenotype was not available at the time of variant classification. Additional details can be found in publication PMID: 35346344, PMCID: PMC8962531

Quest Diagnostics Nichols Institute San Juan Capistrano
Classification: Uncertain significance. Last evaluated: 2023-06-19. Review status: criteria provided, single submitter. Criteria: Quest Diagnostics criteria. Collection method: clinical testing. Allele origin: unknown.
Comment: To the best of our knowledge, this variant has not been reported in the published literature. The frequency of this variant in the general population, 0.00012 (3/24402 chromosomes in African/African American subpopulation (Genome Aggregation Database)), is higher than would generally be expected for pathogenic variants in this gene. Analysis of this variant using bioinformatics tools for the prediction of the effect of amino acid changes on protein structure and function yielded predictions that this variant is damaging. Based on the available information, we are unable to determine the clinical significance of this variant.

Myriad Genetics, Inc.
Classification: Uncertain significance for Familial adenomatous polyposis 1. Last evaluated: 2023-02-14. Review status: criteria provided, single submitter. Criteria: Myriad Autosomal Dominant, Autosomal Recessive and X-Linked Classification Criteria (2023). Collection method: clinical testing. Allele origin: unknown.
Comment: This variant is classified as a variant of uncertain significance as there is insufficient evidence to determine its impact on protein function and/or cancer risk.

GeneDx
Classification: Uncertain significance. Last evaluated: 2022-09-15. Review status: criteria provided, single submitter. Criteria: GeneDx Variant Classification Process June 2021. Collection method: clinical testing. Allele origin: germline. Affected: yes.
Comment: In silico analysis supports that this missense variant does not alter protein structure/function; Has not been previously published as pathogenic or benign to our knowledge; This variant is associated with the following publications: (PMID: 18199528)

Women's Health and Genetics/Laboratory Corporation of America, LabCorp
Classification: Uncertain significance. Last evaluated: 2022-08-22. Review status: criteria provided, single submitter. Criteria: LabCorp Variant Classification Summary - May 2015. Collection method: clinical testing. Allele origin: germline.
Comment: Variant summary: APC c.6020A>G (p.Tyr2007Cys) results in a non-conservative amino acid change in the encoded protein sequence. Four of five in-silico tools predict a damaging effect of the variant on protein function. The variant allele was found at a frequency of 2e-05 in 250114 control chromosomes. The available data on variant occurrences in the general population are insufficient to allow any conclusion about variant significance. To our knowledge, no occurrence of c.6020A>G in individuals affected with Familial Adenomatous Polyposis and no experimental evidence demonstrating its impact on protein function have been reported. Five clinical diagnostic laboratories have submitted clinical-significance assessments for this variant to ClinVar after 2014 and classified the variant as uncertain significance. Based on the evidence outlined above, the variant was classified as uncertain significance.

Sema4
Classification: Uncertain significance for Hereditary cancer-predisposing syndrome. Last evaluated: 2021-09-13. Review status: criteria provided, single submitter. Criteria: Sema4 Curation Guidelines. Collection method: curation. Allele origin: germline.
Comment: The APC c.6020A>G (p.Y2007C ) variant has not been reported in the literature to our knowledge. It was observed in 3/24402 chromosomes of the African/African American subpopulation in the large and broad cohorts of the Genome Aggregation Database (PMID: 32461654). The variant has been reported in ClinVar (Variation ID 411513). Functional studies have not been performed, and in silico predictions of the variant's effect on protein function are inconclusive. The evidence is insufficient to meet ACMG/AMP criteria for classifying the variant as benign or pathogenic. Thus, the clinical significance of this variant is currently uncertain.

PreventionGenetics, part of Exact Sciences
Classification: Uncertain significance for APC-related condition. Last evaluated: 2024-02-23. Review status: no assertion criteria provided. Collection method: clinical testing. Allele origin: germline. Not counted in ClinVar's aggregate classification.
Comment: The APC c.6020A>G variant is predicted to result in the amino acid substitution p.Tyr2007Cys. To our knowledge, this variant has not been reported in the literature. This variant is reported in 0.012% of alleles in individuals of African descent in gnomAD. This variant is interpreted as a variant of uncertain significance in ClinVar. Although we suspect that this variant may be benign, at this time, the clinical significance of this variant is uncertain due to the absence of conclusive functional and genetic evidence.

Counsyl
Classification: Uncertain significance for Familial adenomatous polyposis 1. Last evaluated: 2018-04-24. Review status: no assertion criteria provided. Collection method: clinical testing. Allele origin: unknown. Not counted in ClinVar's aggregate classification.